The following is an entry in ClinVar:

ClinVar aggregate classification (germline): Uncertain significance (1 of 4 stars; one submission).

Submission:

GeneDx
Classification: Uncertain significance. Last evaluated: 2024-07-26. Review status: criteria provided, single submitter. Criteria: GeneDx Variant Classification Process June 2021. Collection method: clinical testing. Allele origin: germline. Affected: yes.
Comment: Not observed at significant frequency in large population cohorts (gnomAD); In silico analysis supports that this missense variant has a deleterious effect on protein structure/function; Has not been previously published as pathogenic or benign to our knowledge

NM_014855.3(AP5Z1):c.350C>A (p.Ser117Tyr)

Gene: AP5Z1 (adaptor related protein complex 5 subunit zeta 1; plus strand). Cytogenetic location: 7p22.1.
Variant type: single nucleotide variant.
Coding change: c.350C>A on transcript NM_014855.3 (MANE Select); coding-DNA position 350, C replaced by A.
Protein change: p.Ser117Tyr; replaces serine 117 with tyrosine.
Molecular consequence: missense variant. On other transcripts: non-coding transcript variant (1), intron variant (1).
Genome position (GRCh38, 1-based): chr7:4,781,738, C>A. VCF-style: chr7-4781738-C-A. GRCh37 (hg19) VCF-style: chr7-4821369-C-A.
Other names: c.-103+426C>A (NM_001364858.1); short protein forms S117Y.
Identifiers: ClinVar variation 3600690 (VCV003600690.1).